The following is an entry in ClinVar:

NM_000038.6(APC):c.3801T>C (p.Thr1267=)

Gene: APC (APC regulator of Wnt signaling pathway; plus strand). Cytogenetic location: 5q22.2.
Variant type: single nucleotide variant.
Coding change: c.3801T>C on transcript NM_000038.6 (MANE Select); coding-DNA position 3801, T replaced by C.
Protein change: p.Thr1267=; no amino-acid change (threonine 1267 retained).
Molecular consequence: synonymous variant. On other transcripts: non-coding transcript variant (2).
Genome position (GRCh38, 1-based): chr5:112,839,395, T>C. VCF-style: chr5-112839395-T-C. GRCh37 (hg19) VCF-style: chr5-112175092-T-C.
Other names: c.3801T>C (NM_000038.5); c.3801T>C, p.Thr1267= (NM_001127510.3, NM_001354895.2, NM_001407450.1); c.3747T>C, p.Thr1249= (NM_001127511.3); c.3855T>C, p.Thr1285= (NM_001354896.2, NM_001407447.1, NM_001407448.1 and 1 more transcripts); c.3831T>C, p.Thr1277= (NM_001354897.2); c.3726T>C, p.Thr1242= (NM_001354898.2); c.3717T>C, p.Thr1239= (NM_001354899.2); c.3678T>C, p.Thr1226= (NM_001354900.2); and 12 more.
Identifiers: ClinVar variation 2721020 (VCV002721020.6), dbSNP rs563358776, ClinGen allele CA445963704.

ClinVar aggregate classification (germline): Benign/Likely benign. Review status: criteria provided, multiple submitters, no conflicts (2 of 4 stars). 4 submissions from 4 submitters: Benign (1); Likely benign (3). Last evaluated 2024-08-26.

Conditions:
Hereditary cancer-predisposing syndrome. Also called: Neoplastic Syndromes, Hereditary; Tumor predisposition; Hereditary neoplastic syndrome; Hereditary Cancer Syndrome. Identifiers: Orphanet 140162, MedGen C0027672, MeSH D009386, MONDO:0015356.
Familial adenomatous polyposis 1 (FAP1). Also called: FAMILIAL ADENOMATOUS POLYPOSIS 1, ATTENUATED; POLYPOSIS, ADENOMATOUS INTESTINAL. Identifiers: MedGen C2713442, MONDO:0021056, OMIM 175100. Disease mechanism: loss of function.
Classic or attenuated familial adenomatous polyposis. Identifiers: MedGen CN372698, MONDO:0021057.

Allele frequency attached by ClinVar (database versions not stated): gnomAD exomes below 0.00001.
gnomAD v4.1: 1 of 1,614,152 alleles (0.000062%); highest among the groups gnomAD compares: Non-Finnish European, 0.000085%; no homozygotes.

Submissions (4):

Ambry Genetics
Classification: Likely benign for Hereditary cancer-predisposing syndrome. Last evaluated: 2024-08-26. Review status: criteria provided, single submitter. Criteria: Ambry Variant Classification Scheme 2023. Collection method: clinical testing. Allele origin: germline.

All of Us Research Program, National Institutes of Health
Classification: Likely benign for Classic or attenuated familial adenomatous polyposis. Last evaluated: 2024-05-14. Review status: criteria provided, single submitter. Criteria: ACMG Guidelines, 2015. Collection method: clinical testing. Allele origin: germline. Inheritance: Autosomal dominant inheritance. Observed: 1 variant allele, 1 heterozygote.
Comment: This study involves interpretation of variants in research participants for the purpose of population health screening. Participant phenotype was not available at the time of variant classification. Additional details can be found in publication PMID: 35346344, PMCID: PMC8962531

Myriad Genetics, Inc.
Classification: Benign for Familial adenomatous polyposis 1. Last evaluated: 2024-03-22. Review status: criteria provided, single submitter. Criteria: Myriad Autosomal Dominant, Autosomal Recessive and X-Linked Classification Criteria (2023). Collection method: clinical testing. Allele origin: unknown.
Comment: This variant is considered benign. This variant is a silent/synonymous amino acid change and it is not expected to impact splicing.

Labcorp Genetics (formerly Invitae), Labcorp
Classification: Likely benign for Familial adenomatous polyposis 1. Last evaluated: 2023-11-24. Review status: criteria provided, single submitter. Criteria: Invitae Variant Classification Sherloc (09022015). Collection method: clinical testing. Allele origin: germline.